The following is an entry in ClinVar:

NM_005585.5(SMAD6):c.821C>T (p.Ser274Phe)

Gene: SMAD6 (SMAD family member 6; plus strand). Cytogenetic location: 15q22.31.
Variant type: single nucleotide variant.
Coding change: c.821C>T on transcript NM_005585.5 (MANE Select); coding-DNA position 821, C replaced by T.
Protein change: p.Ser274Phe; replaces serine 274 with phenylalanine.
Molecular consequence: missense variant. On other transcripts: non-coding transcript variant (1).
Genome position (GRCh38, 1-based): chr15:66,711,671, C>T. VCF-style: chr15-66711671-C-T. GRCh37 (hg19) VCF-style: chr15-67004009-C-T.
Other names: short protein forms S274F.
Identifiers: ClinVar variation 1762507 (VCV001762507.2), dbSNP rs1893229772, ClinGen allele CA392951040.

ClinVar aggregate classification (germline): Uncertain significance (1 of 4 stars; one submission).

Conditions:
Inborn genetic diseases. Identifiers: MedGen C0950123, MeSH D030342.

gnomAD v4.1: 1 of 1,613,812 alleles (0.000062%); highest among the groups gnomAD compares: Non-Finnish European, 0.000085%; no homozygotes.

Submission:

Ambry Genetics
Classification: Uncertain significance for Inborn genetic diseases. Last evaluated: 2022-09-19. Review status: criteria provided, single submitter. Criteria: Ambry Variant Classification Scheme 2023. Collection method: clinical testing. Allele origin: germline.
Comment: The p.S274F variant (also known as c.821C>T), located in coding exon 2 of the SMAD6 gene, results from a C to T substitution at nucleotide position 821. The serine at codon 274 is replaced by phenylalanine, an amino acid with highly dissimilar properties. This amino acid position is conserved. In addition, this alteration is predicted to be deleterious by in silico analysis. Since supporting evidence is limited at this time, the clinical significance of this alteration remains unclear.